The following is an entry in ClinVar:

NM_001378964.1(CDON):c.350-13T>C

Gene: CDON (cell adhesion associated, oncogene regulated; minus strand). Cytogenetic location: 11q24.2.
Variant type: single nucleotide variant.
Coding change: c.350-13T>C on transcript NM_001378964.1 (MANE Select); 13 bases into the intron before coding-DNA position 350, T replaced by C.
Molecular consequence: intron variant.
Genome position (GRCh38, 1-based): chr11:126,019,778, A>G on the plus strand (T>C on the coding strand, the complement: CDON is on the minus strand). VCF-style: chr11-126019778-A-G. GRCh37 (hg19) VCF-style: chr11-125889673-A-G.
Other names: c.350-13T>C (NM_001441166.1, NM_016952.6, NM_001243597.3 and 5 more transcripts).
Identifiers: ClinVar variation 260795 (VCV000260795.17), dbSNP rs3740910, ClinGen allele CA6352350.

ClinVar aggregate classification (germline): Benign. Review status: criteria provided, multiple submitters, no conflicts (2 of 4 stars). 6 submissions from 6 submitters: Benign (6). Last evaluated 2026-01-27.

Conditions:
Holoprosencephaly 11 (HPE11). Identifiers: Orphanet 2162, MedGen C3280215, MONDO:0013642, OMIM 614226.

Allele frequency attached by ClinVar (database versions not stated): gnomAD exomes 0.09101 and 0.10870; ESP Exome Variant Server 0.09728; TOPMed 0.10253; gnomAD 0.10340 and 0.10444; ExAC 0.10814; 1000 Genomes Project 30x 0.11165; 1000 Genomes Project 0.11202.
gnomAD v4.1: 148,120 of 1,601,770 alleles (9.2%); highest among the groups gnomAD compares: Admixed American, 14%; 7,248 homozygotes.

Submissions (6):

Labcorp Genetics (formerly Invitae), Labcorp
Classification: Benign for Holoprosencephaly 11. Last evaluated: 2026-01-27. Review status: criteria provided, single submitter. Criteria: Invitae Variant Classification Sherloc (09022015). Collection method: clinical testing. Allele origin: germline.

Blueprint Genetics
Classification: Benign. Last evaluated: 2024-11-27. Review status: criteria provided, single submitter. Criteria: ACMG Guidelines, 2015. Collection method: clinical testing. Allele origin: germline.

GeneDx
Classification: Benign. Last evaluated: 2018-11-10. Review status: criteria provided, single submitter. Criteria: GeneDx Variant Classification Process June 2021. Collection method: clinical testing. Allele origin: germline. Affected: yes.

Illumina Laboratory Services, Illumina
Classification: Benign for Holoprosencephaly 11. Last evaluated: 2018-01-13. Review status: criteria provided, single submitter. Criteria: ICSL Variant Classification Criteria 13 December 2019. Collection method: clinical testing. Allele origin: germline.
Comment: This variant was observed in the ICSL laboratory as part of a predisposition screen in an ostensibly healthy population. It had not been previously curated by ICSL or reported in the Human Gene Mutation Database (HGMD: prior to June 1st, 2018), and was therefore a candidate for classification through an automated scoring system. Utilizing variant allele frequency, disease prevalence and penetrance estimates, and inheritance mode, an automated score was calculated to assess if this variant is too frequent to cause the disease. Based on the score and internal cut-off values, a variant classified as benign is not then subjected to further curation. The score for this variant resulted in a classification of benign for this disease.

Breakthrough Genomics
Classification: Benign. Review status: criteria provided, single submitter. Criteria: ACMG Guidelines, 2015. Collection method: not provided. Allele origin: germline. Inheritance: Autosomal dominant inheritance. Affected: yes.

PreventionGenetics, part of Exact Sciences
Classification: Benign. Review status: criteria provided, single submitter. Criteria: ACMG Guidelines, 2015. Collection method: clinical testing. Allele origin: germline.